The following is an entry in ClinVar:

NM_000179.3(MSH6):c.3931G>T (p.Glu1311Ter)

Gene: MSH6 (mutS homolog 6; plus strand). Cytogenetic location: 2p16.3.
Variant type: single nucleotide variant.
Coding change: c.3931G>T on transcript NM_000179.3 (MANE Select); coding-DNA position 3931, G replaced by T.
Protein change: p.Glu1311Ter; replaces glutamic acid 1311 with a stop codon.
Molecular consequence: nonsense. On other transcripts: missense variant (1).
Genome position (GRCh38, 1-based): chr2:47,806,581, G>T. VCF-style: chr2-47806581-G-T. GRCh37 (hg19) VCF-style: chr2-48033720-G-T.
Other names: c.3541G>T, p.Glu1181Ter (NM_001281492.2); c.3025G>T, p.Glu1009Ter (NM_001281493.2, NM_001281494.2, NM_001406812.1 and 6 more transcripts); c.4027G>T, p.Glu1343Ter (NM_001406795.1); c.3931G>T, p.Glu1311Ter (NM_001406796.1, NM_001406808.1, NM_001406809.1); c.3634G>T, p.Glu1212Ter (NM_001406797.1, NM_001406818.1, NM_001406819.1 and 10 more transcripts); c.3757G>T, p.Glu1253Ter (NM_001406798.1); c.3406G>T, p.Glu1136Ter (NM_001406799.1, NM_001406806.1, NM_001406807.1); c.3937G>T, p.Glu1313Ter (NM_001406813.1); and 8 more; short protein forms E1136*, E1181*, E1212*, R1306S, E1255*, E1311*, E1253*, E1285*.
Identifiers: ClinVar variation 1736274 (VCV001736274.4), dbSNP rs749522534, ClinGen allele CA346761481.

ClinVar aggregate classification (germline): Pathogenic/Likely pathogenic. Review status: criteria provided, multiple submitters, no conflicts (2 of 4 stars). 3 submissions from 3 submitters: Pathogenic (1); Likely pathogenic (2). Last evaluated 2024-06-05.

Conditions:
Hereditary cancer-predisposing syndrome. Also called: Neoplastic Syndromes, Hereditary; Tumor predisposition; Hereditary Cancer Syndrome; Hereditary neoplastic syndrome. Identifiers: Orphanet 140162, MedGen C0027672, MeSH D009386, MONDO:0015356.
Lynch syndrome 5 (LYNCH5). Also called: Colorectal cancer, hereditary nonpolyposis, type 5; Hereditary non-polyposis colorectal cancer, type 5. Identifiers: Orphanet 144, MedGen C1833477, MONDO:0013710, OMIM 614350. Disease mechanism: loss of function.

Submissions (3):

Molecular Pathology, Peter Maccallum Cancer Centre
Classification: Likely pathogenic for Lynch syndrome 5. Last evaluated: 2024-06-05. Review status: criteria provided, single submitter. Criteria: ACMG Guidelines, 2015. Collection method: clinical testing. Allele origin: germline. Inheritance: Autosomal dominant inheritance.

Myriad Genetics, Inc.
Classification: Likely pathogenic for Lynch syndrome 5. Last evaluated: 2023-08-28. Review status: criteria provided, single submitter. Criteria: Myriad Autosomal Dominant, Autosomal Recessive and X-Linked Classification Criteria (2023). Collection method: clinical testing. Allele origin: unknown.
Comment: This variant is considered likely pathogenic. This variant creates a termination codon and is predicted to result in premature protein truncation.

Ambry Genetics
Classification: Pathogenic for Hereditary cancer-predisposing syndrome. Last evaluated: 2022-01-06. Review status: criteria provided, single submitter. Criteria: Ambry Variant Classification Scheme 2023. Collection method: clinical testing. Allele origin: germline.
Comment: The p.E1311* pathogenic mutation (also known as c.3931G>T), located in coding exon 9 of the MSH6 gene, results from a G to T substitution at nucleotide position 3931. This changes the amino acid from a glutamic acid to a stop codon within coding exon 9. This alteration is expected to result in loss of function by premature protein truncation or nonsense-mediated mRNA decay. As such, this alteration is interpreted as a disease-causing mutation.